The following is an entry in ClinVar:

ClinVar aggregate classification (germline): Uncertain significance (1 of 4 stars; one submission).

Conditions:
Arrhythmogenic right ventricular dysplasia 11. Also called: ARRHYTHMOGENIC RIGHT VENTRICULAR DYSPLASIA, FAMILIAL, 11; Arrhythmogenic Right Ventricular Dysplasia/Cardiomyopathy11; Arrhythmogenic right ventricular dysplasia 11 with mild palmoplantar keratoderma and woolly hair. Identifiers: MedGen C1864850, MONDO:0012506, OMIM 610476.

Allele frequency attached by ClinVar (database versions not stated): TOPMed 0.00001.

Submission:

Labcorp Genetics (formerly Invitae), Labcorp
Classification: Uncertain significance for Arrhythmogenic right ventricular dysplasia 11. Last evaluated: 2025-06-16. Review status: criteria provided, single submitter. Criteria: Invitae Variant Classification Sherloc (09022015). Collection method: clinical testing. Allele origin: germline.
Comment: This sequence change replaces valine, which is neutral and non-polar, with isoleucine, which is neutral and non-polar, at codon 369 of the DSC2 protein (p.Val369Ile). This variant is not present in population databases (gnomAD no frequency). This variant has not been reported in the literature in individuals affected with DSC2-related conditions. ClinVar contains an entry for this variant (Variation ID: 2726053). Invitae Evidence Modeling of protein sequence and biophysical properties (such as structural, functional, and spatial information, amino acid conservation, physicochemical variation, residue mobility, and thermodynamic stability) indicates that this missense variant is not expected to disrupt DSC2 protein function with a negative predictive value of 80%. In summary, the available evidence is currently insufficient to determine the role of this variant in disease. Therefore, it has been classified as a Variant of Uncertain Significance.

NM_024422.6(DSC2):c.1105G>A (p.Val369Ile)

Gene: DSC2 (desmocollin 2; minus strand). Cytogenetic location: 18q12.1.
Variant type: single nucleotide variant.
Coding change: c.1105G>A on transcript NM_024422.6 (MANE Select); coding-DNA position 1105, G replaced by A.
Protein change: p.Val369Ile; replaces valine 369 with isoleucine.
Molecular consequence: missense variant.
Genome position (GRCh38, 1-based): chr18:31,082,396, C>T on the plus strand (G>A on the coding strand, the complement: DSC2 is on the minus strand). VCF-style: chr18-31082396-C-T. GRCh37 (hg19) VCF-style: chr18-28662362-C-T.
Other names: c.676G>A, p.Val226Ile (NM_001406506.1, NM_001406507.1); c.1105G>A, p.Val369Ile (NM_004949.5); short protein forms V369I, V226I.
Identifiers: ClinVar variation 2726053 (VCV002726053.3), dbSNP rs1051939092, ClinGen allele CA297637692.